The following is an entry in ClinVar:

NM_019026.6(TMCO1):c.139_140del (p.Gln46_Ser47insTer)

Gene: TMCO1 (transmembrane and coiled-coil domains 1; minus strand). Cytogenetic location: 1q24.1.
Variant type: Microsatellite.
Coding change: c.139_140del on transcript NM_019026.6 (MANE Select); coding-DNA positions 139 to 140, 2 bases deleted (AG; older notation c.139_140delAG).
Protein change: p.Gln46_Ser47insTer.
Molecular consequence: nonsense. On other transcripts: non-coding transcript variant (1).
Genome position (GRCh38, 1-based): chr1:165,768,200-165,768,201, CT deleted on the plus strand (AG on the coding strand, the reverse complement: TMCO1 is on the minus strand); deleting any 2 consecutive bases within chr1:165,768,200-165,768,203 gives the same sequence; the c. name uses the placement nearest the transcript's 3' end. VCF-style (leftmost placement, unchanged base first): chr1-165768199-ACT-A. GRCh37 (hg19) VCF-style: chr1-165737436-ACT-A.
Other names: c.190_191del, p.Gln63_Ser64insTer (NM_001256164.1); c.103_104del, p.Gln34_Ser35insTer (NM_001256165.1); c.292_293delAG (NM_019026.4).
Identifiers: ClinVar variation 420165 (VCV000420165.44), dbSNP rs752176040, ClinGen allele CA1221754.

ClinVar aggregate classification (germline): Pathogenic/Likely pathogenic. Review status: criteria provided, multiple submitters, no conflicts (2 of 4 stars). 11 submissions from 11 submitters: Pathogenic (9); Likely pathogenic (1). 1 of the submissions does not count toward it. Last evaluated 2026-01-15.

Conditions:
Inborn genetic diseases. Identifiers: MedGen C0950123, MeSH D030342.
TMCO1-related disorder. Also called: TMCO1-related condition.
Craniofacial dysmorphism, skeletal anomalies, and impaired intellectual development 1 (CFSMR1). Also called: Cerebrofaciothoracic dysplasia. Identifiers: Orphanet 1394, MedGen C5677021, MONDO:0800436, OMIM 213980.

Submissions (11):

Labcorp Genetics (formerly Invitae), Labcorp
Classification: Pathogenic. Last evaluated: 2026-01-15. Review status: criteria provided, single submitter. Criteria: Invitae Variant Classification Sherloc (09022015). Collection method: clinical testing. Allele origin: germline.
Comment: This sequence change creates a premature translational stop signal (p.Ser98*) in the TMCO1 gene. It is expected to result in an absent or disrupted protein product. Loss-of-function variants in TMCO1 are known to be pathogenic (PMID: 20018682, 23320496, 24194475, 24424126). This variant is present in population databases (rs752176040, gnomAD 0.02%). This premature translational stop signal has been observed in individual(s) with craniofacial dysmorphism, skeletal anomalies, and mental retardation (PMID: 20018682). It has also been observed to segregate with disease in related individuals. This variant is also known as c.139_140delAG. ClinVar contains an entry for this variant (Variation ID: 420165). For these reasons, this variant has been classified as Pathogenic.

PreventionGenetics, part of Exact Sciences
Classification: Pathogenic for TMCO1-related condition. Last evaluated: 2025-04-01. Review status: criteria provided, single submitter. Criteria: ACMG Guidelines, 2015. Collection method: clinical testing. Allele origin: germline.
Comment: The TMCO1 c.292_293delAG variant is predicted to result in premature protein termination (p.Ser98*). This variant was reported the homozygous state in six individuals from an Old Order Amish family, all with craniofacial dysmorphism, skeletal anomalies, and intellectual disability; the variant was shown to segregate with disease within the family (variant described as c.139_140delAG, p.Ser47Ter in Xin et al. 2010. PubMed ID: 20018682). Further testing of undiagnosed children identified five additional Amish individuals with a similar phenotype, all homozygous for the c.292_293delAG (p.Ser98*) variant (Xin et al. 2010. PubMed ID: 20018682). This variant is reported in 0.016% of alleles in individuals of European (Non-Finnish) descent in gnomAD. Other predicted loss-of-function variants in TMCO1 have been reported in affected individuals (Human Gene Mutation Database). In summary, this variant is interpreted as pathogenic.

CeGaT Center for Human Genetics Tuebingen
Classification: Pathogenic. Last evaluated: 2024-10-01. Review status: criteria provided, single submitter. Criteria: CeGaT Center For Human Genetics Tuebingen Variant Classification Criteria Version 2. Collection method: clinical testing. Allele origin: germline. Affected: yes. Observed: 2 variant alleles.
Comment: TMCO1: PVS1, PM2, PM3

Fulgent Genetics
Classification: Pathogenic for Craniofacial dysmorphism, skeletal anomalies, and impaired intellectual development 1. Last evaluated: 2024-01-05. Review status: criteria provided, single submitter. Criteria: ACMG Guidelines, 2015. Collection method: clinical testing. Allele origin: germline.

Department of Pathology and Laboratory Medicine, Sinai Health System
Classification: Pathogenic for Craniofacial dysmorphism, skeletal anomalies, and impaired intellectual development 1. Last evaluated: 2023-09-19. Review status: criteria provided, single submitter. Criteria: ACMG Guidelines, 2015. Collection method: research. Allele origin: germline.

GeneDx
Classification: Pathogenic. Last evaluated: 2022-05-25. Review status: criteria provided, single submitter. Criteria: GeneDx Variant Classification Process June 2021. Collection method: clinical testing. Allele origin: germline. Affected: yes.
Comment: Nonsense variant predicted to result in protein truncation or nonsense mediated decay in a gene for which loss-of-function is a known mechanism of disease; This variant is associated with the following publications: (PMID: 31028937, 20018682, 31102500, 30556256)

Laboratory for Molecular Medicine, Mass General Brigham Personalized Medicine
Classification: Likely pathogenic for Craniofacial dysmorphism, skeletal anomalies, and impaired intellectual development 1. Last evaluated: 2020-06-19. Review status: criteria provided, single submitter. Criteria: LMM Criteria. Collection method: clinical testing. Allele origin: germline. Inheritance: Autosomal recessive inheritance. Observed: 1 variant allele.
Comment: The c.292_293delAG (p.Ser98X) variant in TMCO1 has been reported (as c.139_140delAG: p.Ser47Ter) in the homozygous state in at least 5 individuals of Amish ancestry and in 2 additional unrelated individuals with Cerebro-facio-thoracic dysplasia, and segregated with disease in 2 affected members from 1 family (Xin 2010 PMID:20018682, Yates 2018 PMID:30556256). It has also been reported in ClinVar (Variation ID 420165). It has been identified in 0.02 (21/129086) of European chromosomes by gnomAD. This variant creates a premature termination codon at position 98, which is predicted to lead to a truncated or absent protein. Loss of function of the TMCO1 gene is associated with autosomal recessive cerebro-facio-thoracic dysplasia. In summary, although additional studies are required to fully establish its clinical significance, this variant meets criteria to be classified as likely pathogenic for autosomal recessive cerebro-facio-thoracic dysplasia. ACMG/AMP Criteria applied: PM2, PVS1_Moderate, PP1, PM3_Strong.

Ambry Genetics
Classification: Pathogenic for Inborn genetic diseases. Last evaluated: 2020-03-26. Review status: criteria provided, single submitter. Criteria: Ambry Variant Classification Scheme 2023. Collection method: clinical testing. Allele origin: germline.
Comment: The alteration results in a premature stop codon: _x000D_ _x000D_ The c.139_140delAG (p.S47*) alteration, located in coding exon 2 of the TMCO1 gene, results from the deletion of 2 nucleotides from position 139 to 140, causing a translational frameshift with a predicted alternate stop codon at amino acid position 47. This alteration is expected to result in loss of function by premature protein truncation or nonsense-mediated mRNA decay. The alteration is rare in population databases: _x000D_ _x000D_ Based on data from the Genome Aggregation Database (gnomAD), the c.139_140delAG alteration was observed in 0.0103% (29/282,676) of total alleles studied. No homozygotes were reported in gnomAD. The alteration has been observed in affected individuals:_x000D_ _x000D_ The c.139_140delAG (p.S47*) alteration in TMCO1 has been reported homozygous in multiple patients of different ethnicities with cerebrofaciothoracic dysplasia (Xin, 2010; Yates, 2019). Based on the available evidence, this alteration is classified as pathogenic.

Institute of Human Genetics, University of Leipzig Medical Center
Classification: Pathogenic for Craniofacial dysmorphism, skeletal anomalies, and impaired intellectual development 1. Last evaluated: 2019-10-22. Review status: criteria provided, single submitter. Criteria: ACMG Guidelines, 2015. Collection method: clinical testing. Allele origin: germline. Affected: yes.
Comment: The variant was confirmed as compound heterozygous with a variant of uncertain significance (NM_019026.4: c.197C>T).

Equipe Genetique des Anomalies du Developpement, Université de Bourgogne
Classification: Pathogenic for Craniofacial dysmorphism, skeletal anomalies, and impaired intellectual development 1. Last evaluated: 2017-07-05. Review status: criteria provided, single submitter. Criteria: ACMG Guidelines, 2015. Collection method: clinical testing. Allele origin: unknown. Affected: yes. Study: Clinvar_gadteam_Clinical_exome_analysis_3.

OMIM
Classification: Pathogenic for CRANIOFACIAL DYSMORPHISM, SKELETAL ANOMALIES, AND IMPAIRED INTELLECTUAL DEVELOPMENT SYNDROME 1. Last evaluated: 2010-01-05. Review status: no assertion criteria provided. Collection method: literature only. Allele origin: germline. Not counted in ClinVar's aggregate classification.

Literature cited by the submitters: PubMed 20018682 (cited by 4 submitters); PubMed 23320496 (cited by Labcorp Genetics (formerly Invitae), Labcorp); PubMed 24194475 (cited by Labcorp Genetics (formerly Invitae), Labcorp); PubMed 24424126 (cited by Labcorp Genetics (formerly Invitae), Labcorp); PubMed 30556256 (cited by 3 submitters); PubMed 31102500 (cited by OMIM).